The following is an entry in ClinVar:

NM_000540.3(RYR1):c.12847G>A (p.Glu4283Lys)

Gene: RYR1 (ryanodine receptor 1; plus strand). Cytogenetic location: 19q13.2.
Variant type: single nucleotide variant.
Coding change: c.12847G>A on transcript NM_000540.3 (MANE Select); coding-DNA position 12847, G replaced by A.
Protein change: p.Glu4283Lys; replaces glutamic acid 4283 with lysine.
Molecular consequence: missense variant.
Genome position (GRCh38, 1-based): chr19:38,565,181, G>A. VCF-style: chr19-38565181-G-A. GRCh37 (hg19) VCF-style: chr19-39055821-G-A.
Other names: c.12832G>A, p.Glu4278Lys (NM_001042723.2); short protein forms E4283K, E4278K.
Identifiers: ClinVar variation 201142 (VCV000201142.20), dbSNP rs794728692, ClinGen allele CA024009.

ClinVar aggregate classification (germline): Benign/Likely benign. Review status: criteria provided, multiple submitters, no conflicts (2 of 4 stars). 4 submissions from 4 submitters: Benign (1); Likely benign (3). Last evaluated 2026-03-01.

Conditions:
RYR1-related disorder. Also called: RYR1-related condition; RYR1-related disorders. Identifiers: MedGen CN239331.
Inborn genetic diseases. Identifiers: MedGen C0950123, MeSH D030342.

Allele frequency attached by ClinVar (database versions not stated): gnomAD exomes 0.00002 and 0.00273; gnomAD 0.00006 and 0.00007; TOPMed 0.00010.
gnomAD v4.1: 29 of 1,160,526 alleles (0.0025%); highest among the groups gnomAD compares: Admixed American, 0.14%; no homozygotes.

Submissions (4):

CeGaT Center for Human Genetics Tuebingen
Classification: Likely benign. Last evaluated: 2026-03-01. Review status: criteria provided, single submitter. Criteria: CeGaT Center For Human Genetics Tuebingen Variant Classification Criteria Version 2. Collection method: clinical testing. Allele origin: germline. Affected: yes. Observed: 2 variant alleles.
Comment: RYR1: PM5, PP3, BS2

Labcorp Genetics (formerly Invitae), Labcorp
Classification: Benign for RYR1-related disorder. Last evaluated: 2025-12-27. Review status: criteria provided, single submitter. Criteria: Invitae Variant Classification Sherloc (09022015). Collection method: clinical testing. Allele origin: germline.

Ambry Genetics
Classification: Likely benign for Inborn genetic diseases. Last evaluated: 2021-11-12. Review status: criteria provided, single submitter. Criteria: Ambry Variant Classification Scheme 2023. Collection method: clinical testing. Allele origin: germline.

Eurofins Ntd Llc (ga)
Classification: Likely benign. Last evaluated: 2018-01-12. Review status: criteria provided, single submitter. Criteria: EGL Classification Definitions 2015. Collection method: clinical testing. Allele origin: germline. Observed: 3 variant alleles, 3 heterozygotes.